The following is an entry in ClinVar:

ClinVar aggregate classification (germline): Likely benign (1 of 4 stars; one submission).

gnomAD v4.1: 93 of 1,613,682 alleles (0.0058%); highest among the groups gnomAD compares: Non-Finnish European, 0.0079%; no homozygotes.

Submission:

CeGaT Center for Human Genetics Tuebingen
Classification: Likely benign. Last evaluated: 2026-05-01. Review status: criteria provided, single submitter. Criteria: CeGaT Center For Human Genetics Tuebingen Variant Classification Criteria Version 2. Collection method: clinical testing. Allele origin: germline. Affected: yes. Observed: 1 variant allele.
Comment: SPTB: BP4, BP7

NM_001355436.2(SPTB):c.753C>A (p.Leu251=)

Gene: SPTB (spectrin beta, erythrocytic; minus strand). Cytogenetic location: 14q23.3.
Variant type: single nucleotide variant.
Coding change: c.753C>A on transcript NM_001355436.2 (MANE Select); coding-DNA position 753, C replaced by A.
Protein change: p.Leu251=; no amino-acid change (leucine 251 retained).
Molecular consequence: synonymous variant.
Genome position (GRCh38, 1-based): chr14:64,801,295, G>T on the plus strand (C>A on the coding strand, the complement: SPTB is on the minus strand). VCF-style: chr14-64801295-G-T. GRCh37 (hg19) VCF-style: chr14-65268013-G-T.
Other names: c.753C>A, p.Leu251= (NM_001024858.4, NM_001355437.2).
Identifiers: ClinVar variation 4872886 (VCV004872886.2).